The following is an entry in ClinVar:

NM_016495.6(TBC1D7):c.196A>G (p.Ile66Val)

Genes: TBC1D7 (TBC1 domain family member 7; minus strand), TBC1D7-LOC100130357 (TBC1D7-LOC100130357 readthrough; minus strand). Cytogenetic location: 6p24.1.
Variant type: single nucleotide variant.
Coding change: c.196A>G on transcript NM_016495.6 (MANE Select); coding-DNA position 196, A replaced by G.
Protein change: p.Ile66Val; replaces isoleucine 66 with valine.
Molecular consequence: missense variant. On other transcripts: non-coding transcript variant (1).
Genome position (GRCh38, 1-based): chr6:13,321,093, T>C on the plus strand (A>G on the coding strand, the complement: TBC1D7 is on the minus strand). VCF-style: chr6-13321093-T-C. GRCh37 (hg19) VCF-style: chr6-13321325-T-C.
Other names: c.196A>G, p.Ile66Val (NM_001318809.2, NM_001143964.4, NM_001143965.4 and 2 more transcripts); c.115A>G, p.Ile39Val (NM_001143966.4, NM_001318806.2); short protein forms I39V, I66V.
Identifiers: ClinVar variation 1351423 (VCV001351423.6), dbSNP rs753402172, ClinGen allele CA3639852.

ClinVar aggregate classification (germline): Uncertain significance (1 of 4 stars; one submission).

Allele frequency attached by ClinVar (database versions not stated): ExAC 0.00001; gnomAD 0.00001; gnomAD exomes 0.00001 and 0.00003; TOPMed 0.00001.
gnomAD v4.1: 21 of 1,608,232 alleles (0.0013%); highest among the groups gnomAD compares: Admixed American, 0.013%; no homozygotes.

Submission:

Labcorp Genetics (formerly Invitae), Labcorp
Classification: Uncertain significance. Last evaluated: 2022-06-20. Review status: criteria provided, single submitter. Criteria: Invitae Variant Classification Sherloc (09022015). Collection method: clinical testing. Allele origin: germline.
Comment: This variant has not been reported in the literature in individuals affected with TBC1D7-related conditions. This sequence change replaces isoleucine, which is neutral and non-polar, with valine, which is neutral and non-polar, at codon 66 of the TBC1D7 protein (p.Ile66Val). This variant is present in population databases (rs753402172, gnomAD 0.02%). Algorithms developed to predict the effect of missense changes on protein structure and function are either unavailable or do not agree on the potential impact of this missense change (SIFT: "Deleterious"; PolyPhen-2: "Benign"; Align-GVGD: "Class C25"). In summary, the available evidence is currently insufficient to determine the role of this variant in disease. Therefore, it has been classified as a Variant of Uncertain Significance.